The following is an entry in ClinVar:

NM_003620.4(PPM1D):c.1348T>A (p.Leu450Ile)

Gene: PPM1D (protein phosphatase, Mg2+/Mn2+ dependent 1D; plus strand). Cytogenetic location: 17q23.2.
Variant type: single nucleotide variant.
Coding change: c.1348T>A on transcript NM_003620.4 (MANE Select); coding-DNA position 1348, T replaced by A.
Protein change: p.Leu450Ile; replaces leucine 450 with isoleucine.
Molecular consequence: missense variant.
Genome position (GRCh38, 1-based): chr17:60,663,082, T>A. VCF-style: chr17-60663082-T-A. GRCh37 (hg19) VCF-style: chr17-58740443-T-A.
Other names: short protein forms L450I.
Identifiers: ClinVar variation 3705698 (VCV003705698.2).

ClinVar aggregate classification (germline): Uncertain significance (1 of 4 stars; one submission).

gnomAD v4.1: 2 of 1,614,158 alleles (0.00012%); highest among the groups gnomAD compares: Non-Finnish European, 0.00017%; no homozygotes.

Submission:

Labcorp Genetics (formerly Invitae), Labcorp
Classification: Uncertain significance. Last evaluated: 2024-07-23. Review status: criteria provided, single submitter. Criteria: Invitae Variant Classification Sherloc (09022015). Collection method: clinical testing. Allele origin: germline.
Comment: This sequence change replaces leucine, which is neutral and non-polar, with isoleucine, which is neutral and non-polar, at codon 450 of the PPM1D protein (p.Leu450Ile). This variant is not present in population databases (gnomAD no frequency). This variant has not been reported in the literature in individuals affected with PPM1D-related conditions. An algorithm developed to predict the effect of missense changes on protein structure and function (PolyPhen-2) suggests that this variant is likely to be tolerated. In summary, the available evidence is currently insufficient to determine the role of this variant in disease. Therefore, it has been classified as a Variant of Uncertain Significance.